The following is an entry in ClinVar:

ClinVar aggregate classification (germline): Likely benign. Review status: criteria provided, multiple submitters, no conflicts (2 of 4 stars). 4 submissions from 4 submitters: Likely benign (3). 1 of the submissions does not count toward it. Last evaluated 2026-02-01.

Conditions:
FLNC-related disorder. Also called: FLNC-related disorders; FLNC-related condition.
Cardiovascular phenotype. Identifiers: MedGen CN230736.
Myofibrillar myopathy 5. Also called: Filaminopathy (type); FILAMINOPATHY, AUTOSOMAL DOMINANT. Identifiers: Orphanet 171445, MedGen C1836050, MONDO:0012289, OMIM 609524.
Distal myopathy with posterior leg and anterior hand involvement. Also called: WILLIAMS DISTAL MYOPATHY. Identifiers: Orphanet 63273, MedGen C3279722, MONDO:0013550, OMIM 614065.
Hypertrophic cardiomyopathy 26. Also called: Cardiomyopathy, familial hypertrophic, 26. Identifiers: Orphanet 75249, MedGen C4310749, MONDO:0014883, OMIM 617047.

Allele frequency attached by ClinVar (database versions not stated): ExAC 0.00001; gnomAD exomes 0.00001 and 0.00003; gnomAD 0.00003; TOPMed 0.00007.
gnomAD v4.1: 51 of 1,614,138 alleles (0.0032%); highest among the groups gnomAD compares: Non-Finnish European, 0.0039%; no homozygotes.

Submissions (4):

CeGaT Center for Human Genetics Tuebingen
Classification: Likely benign. Last evaluated: 2026-02-01. Review status: criteria provided, single submitter. Criteria: CeGaT Center For Human Genetics Tuebingen Variant Classification Criteria Version 2. Collection method: clinical testing. Allele origin: germline. Affected: yes. Observed: 1 variant allele.
Comment: FLNC: BP4, BP7

Labcorp Genetics (formerly Invitae), Labcorp
Classification: Likely benign for Distal myopathy with posterior leg and anterior hand involvement; Myofibrillar myopathy 5; Hypertrophic cardiomyopathy 26. Last evaluated: 2025-08-05. Review status: criteria provided, single submitter. Criteria: Invitae Variant Classification Sherloc (09022015). Collection method: clinical testing. Allele origin: germline.

Ambry Genetics
Classification: Likely benign for Cardiovascular phenotype. Last evaluated: 2020-08-05. Review status: criteria provided, single submitter. Criteria: Ambry Variant Classification Scheme 2023. Collection method: clinical testing. Allele origin: germline.

PreventionGenetics, part of Exact Sciences
Classification: Likely benign for FLNC-related condition. Last evaluated: 2020-09-30. Review status: no assertion criteria provided. Collection method: clinical testing. Allele origin: germline. Not counted in ClinVar's aggregate classification.
Comment: This variant is classified as likely benign based on ACMG/AMP sequence variant interpretation guidelines (Richards et al. 2015 PMID: 25741868, with internal and published modifications).

NM_001458.5(FLNC):c.4218C>T (p.Thr1406=)

Gene: FLNC (filamin C; plus strand). Cytogenetic location: 7q32.1.
Variant type: single nucleotide variant.
Coding change: c.4218C>T on transcript NM_001458.5 (MANE Select); coding-DNA position 4218, C replaced by T.
Protein change: p.Thr1406=; no amino-acid change (threonine 1406 retained).
Molecular consequence: synonymous variant.
Genome position (GRCh38, 1-based): chr7:128,846,835, C>T. VCF-style: chr7-128846835-C-T. GRCh37 (hg19) VCF-style: chr7-128486889-C-T.
Other names: c.4218C>T, p.Thr1406= (NM_001127487.2).
Identifiers: ClinVar variation 539469 (VCV000539469.65), dbSNP rs748827721, ClinGen allele CA4475270.